The following is an entry in ClinVar:

ClinVar aggregate classification (germline): Uncertain significance (1 of 4 stars; one submission).

Submission:

Labcorp Genetics (formerly Invitae), Labcorp
Classification: Uncertain significance. Last evaluated: 2023-05-28. Review status: criteria provided, single submitter. Criteria: Invitae Variant Classification Sherloc (09022015). Collection method: clinical testing. Allele origin: germline.
Comment: In summary, the available evidence is currently insufficient to determine the role of this variant in disease. Therefore, it has been classified as a Variant of Uncertain Significance. Advanced modeling of protein sequence and biophysical properties (such as structural, functional, and spatial information, amino acid conservation, physicochemical variation, residue mobility, and thermodynamic stability) performed at Invitae indicates that this missense variant is expected to disrupt COL11A2 protein function. This variant has not been reported in the literature in individuals affected with COL11A2-related conditions. This variant is not present in population databases (gnomAD no frequency). This sequence change replaces glycine, which is neutral and non-polar, with arginine, which is basic and polar, at codon 988 of the COL11A2 protein (p.Gly988Arg).

NM_080680.3(COL11A2):c.2962G>A (p.Gly988Arg)

Gene: COL11A2 (collagen type XI alpha 2 chain; minus strand). Cytogenetic location: 6p21.32.
Variant type: single nucleotide variant.
Coding change: c.2962G>A on transcript NM_080680.3 (MANE Select); coding-DNA position 2962, G replaced by A.
Protein change: p.Gly988Arg; replaces glycine 988 with arginine.
Molecular consequence: missense variant.
Genome position (GRCh38, 1-based): chr6:33,172,315, C>T on the plus strand (G>A on the coding strand, the complement: COL11A2 is on the minus strand). VCF-style: chr6-33172315-C-T. GRCh37 (hg19) VCF-style: chr6-33140092-C-T.
Other names: c.2782G>A, p.Gly928Arg (NM_001424108.1); c.2116G>A, p.Gly706Arg (NM_001424109.1); c.1936G>A, p.Gly646Arg (NM_001424110.1, NM_001424111.1); c.916G>A, p.Gly306Arg (NM_001424112.1); c.2641G>A, p.Gly881Arg (NM_080679.3); c.2704G>A, p.Gly902Arg (NM_080681.3); short protein forms G928R, G706R, G988R, G646R, G902R, G306R, G881R.
Identifiers: ClinVar variation 2744692 (VCV002744692.3), dbSNP rs2534879645, ClinGen allele CA363636811.